The following is an entry in ClinVar:

ClinVar aggregate classification (germline): Uncertain significance (1 of 4 stars; one submission).

Conditions:
Developmental and epileptic encephalopathy, 32 (DEE32). Also called: Epileptic encephalopathy, early infantile, 32. Identifiers: Orphanet 442835, MedGen C4225350, MONDO:0014607, OMIM 616366.

Submission:

Labcorp Genetics (formerly Invitae), Labcorp
Classification: Uncertain significance for Developmental and epileptic encephalopathy, 32. Last evaluated: 2023-08-17. Review status: criteria provided, single submitter. Criteria: Invitae Variant Classification Sherloc (09022015). Collection method: clinical testing. Allele origin: germline.
Comment: In summary, the available evidence is currently insufficient to determine the role of this variant in disease. Therefore, it has been classified as a Variant of Uncertain Significance. Advanced modeling of protein sequence and biophysical properties (such as structural, functional, and spatial information, amino acid conservation, physicochemical variation, residue mobility, and thermodynamic stability) performed at Invitae indicates that this missense variant is not expected to disrupt KCNA2 protein function. This variant has not been reported in the literature in individuals affected with KCNA2-related conditions. This variant is not present in population databases (gnomAD no frequency). This sequence change replaces isoleucine, which is neutral and non-polar, with threonine, which is neutral and polar, at codon 231 of the KCNA2 protein (p.Ile231Thr).

NM_004974.4(KCNA2):c.692T>C (p.Ile231Thr)

Gene: KCNA2 (potassium voltage-gated channel subfamily A member 2; minus strand). Cytogenetic location: 1p13.3.
Variant type: single nucleotide variant.
Coding change: c.692T>C on transcript NM_004974.4 (MANE Select); coding-DNA position 692, T replaced by C.
Protein change: p.Ile231Thr; replaces isoleucine 231 with threonine.
Molecular consequence: missense variant.
Genome position (GRCh38, 1-based): chr1:110,604,091, A>G on the plus strand (T>C on the coding strand, the complement: KCNA2 is on the minus strand). VCF-style: chr1-110604091-A-G. GRCh37 (hg19) VCF-style: chr1-111146713-A-G.
Other names: c.692T>C, p.Ile231Thr (NM_001204269.2); short protein forms I231T.
Identifiers: ClinVar variation 2813167 (VCV002813167.3), dbSNP rs2524619601, ClinGen allele CA341603424.
Genomic context (GRCh38, chr1:110,604,091, plus strand): 5'-AAGAAGCCGGCTTTGCTGGGACAGGCAAAGAACCTCACCAAGAATTCAAAGGAGAACCAG[A>G]TGATGCAGAGTGTCTCTACAATGAAGAAAGGGTCTGTGAAGGAAGTGGACTGCTGGTACC-3'
Protein context (NP_004965.1, residues 221-241): PFFIVETLCI[Ile231Thr]WFSFEFLVRF